The following is an entry in ClinVar:

NM_001024630.4(RUNX2):c.665A>G (p.Asp222Gly)

Gene: RUNX2 (RUNX family transcription factor 2; plus strand). Cytogenetic location: 6p21.1.
Variant type: single nucleotide variant.
Coding change: c.665A>G on transcript NM_001024630.4 (MANE Select); coding-DNA position 665, A replaced by G.
Protein change: p.Asp222Gly; replaces aspartic acid 222 with glycine.
Molecular consequence: missense variant.
Genome position (GRCh38, 1-based): chr6:45,438,031, A>G. VCF-style: chr6-45438031-A-G. GRCh37 (hg19) VCF-style: chr6-45405768-A-G.
Other names: c.665A>G, p.Asp222Gly (NM_001015051.4); c.623A>G, p.Asp208Gly (NM_001278478.2, NM_001369405.1); short protein forms D222G, D208G.
Identifiers: ClinVar variation 1514641 (VCV001514641.8), dbSNP rs2150371921, ClinGen allele CA363955403.
Genomic context (GRCh38, chr6:45,438,031, plus strand): 5'-CCGTCTTCACAAATCCTCCCCAAGTAGCTACCTATCACAGAGCAATTAAAGTTACAGTAG[A>G]TGGACCTCGGGAACCCAGAAGTAAGTACTCCCCTTTTTATTGAAGAAAGTAATAGAGTTT-3'
Protein context (NP_001019801.3, residues 212-232): TYHRAIKVTV[Asp222Gly]GPREPRRHRQ

ClinVar aggregate classification (germline): Likely pathogenic (1 of 4 stars; one submission).

Submission:

Labcorp Genetics (formerly Invitae), Labcorp
Classification: Likely pathogenic. Last evaluated: 2021-03-23. Review status: criteria provided, single submitter. Criteria: Invitae Variant Classification Sherloc (09022015). Collection method: clinical testing. Allele origin: germline.
Comment: In summary, the currently available evidence indicates that the variant is pathogenic, but additional data are needed to prove that conclusively. Therefore, this variant has been classified as Likely Pathogenic. Algorithms developed to predict the effect of missense changes on protein structure and function (SIFT, PolyPhen-2, Align-GVGD) all suggest that this variant is likely to be disruptive, but these predictions have not been confirmed by published functional studies and their clinical significance is uncertain. This variant has been observed in individual(s) with clinical features of cleidocranial dysplasia (Invitae). In at least one individual the variant was observed to be de novo. This variant is not present in population databases (ExAC no frequency). This sequence change replaces aspartic acid with glycine at codon 222 of the RUNX2 protein (p.Asp222Gly). The aspartic acid residue is highly conserved and there is a moderate physicochemical difference between aspartic acid and glycine.